The following is an entry in ClinVar:

NM_001371727.1(GABRB2):c.742C>A (p.Gln248Lys)

Gene: GABRB2 (gamma-aminobutyric acid type A receptor subunit beta2; minus strand). Cytogenetic location: 5q34.
Variant type: single nucleotide variant.
Coding change: c.742C>A on transcript NM_001371727.1 (MANE Select); coding-DNA position 742, C replaced by A.
Protein change: p.Gln248Lys; replaces glutamine 248 with lysine.
Molecular consequence: missense variant.
Genome position (GRCh38, 1-based): chr5:161,334,842, G>T on the plus strand (C>A on the coding strand, the complement: GABRB2 is on the minus strand). VCF-style: chr5-161334842-G-T. GRCh37 (hg19) VCF-style: chr5-160761849-G-T.
Other names: c.742C>A, p.Gln248Lys (NM_000813.3, NM_021911.3); short protein forms Q248K.
Identifiers: ClinVar variation 3775512 (VCV003775512.1).
Genomic context (GRCh38, chr5:161,334,842, plus strand): 5'-AATTAATCCAGAAGGAGACCCAGGAGAGGATGGTAATCAGGATGGAAGGCATGTATGTTT[G>T]CAGGATAAAGTAGCCAATGTTTCTCTTAAGCTTAAAGCTGAGGGATAACCTGGGATAGGA-3'
Protein context (NP_001358656.1, residues 238-258): LKRNIGYFIL[Gln248Lys]TYMPSILITI

ClinVar aggregate classification (germline): Uncertain significance (1 of 4 stars; one submission).

Conditions:
Developmental and epileptic encephalopathy 92. Also called: EPILEPTIC ENCEPHALOPATHY, INFANTILE OR EARLY CHILDHOOD, 2. Identifiers: MedGen C4693362, MONDO:0020631, OMIM 617829.

Submission:

3billion
Classification: Uncertain significance for Developmental and epileptic encephalopathy 92. Last evaluated: 2024-02-27. Review status: criteria provided, single submitter. Criteria: ACMG Guidelines, 2015. Collection method: clinical testing. Allele origin: germline. Affected: yes.
Comment: The variant is not observed in the gnomAD v2.1.1 dataset. Predicted Consequence/Location: Missense changes are a common disease-causing mechanism. In silico tool predictions suggest damaging effect of the variant on gene or gene product [REVEL: 0.96 (>=0.6, sensitivity 0.68 and specificity 0.92); 3Cnet: 1.00 (>=0.6, sensitivity 0.72 and precision 0.9)]. Therefore, this variant is classified as VUS according to the recommendation of ACMG/AMP guideline.